The following is an entry in ClinVar:

ClinVar aggregate classification (germline): Benign. Review status: criteria provided, multiple submitters, no conflicts (2 of 4 stars). 5 submissions from 5 submitters: Benign (4). 1 of the submissions does not count toward it. Last evaluated 2026-09-01.

Conditions:
APC-Associated Polyposis Disorders.
Familial adenomatous polyposis 1 (FAP1). Also called: POLYPOSIS, ADENOMATOUS INTESTINAL; FAMILIAL ADENOMATOUS POLYPOSIS 1, ATTENUATED. Identifiers: MedGen C2713442, MONDO:0021056, OMIM 175100. Disease mechanism: loss of function.
Hereditary cancer-predisposing syndrome. Also called: Neoplastic Syndromes, Hereditary; Tumor predisposition; Hereditary Cancer Syndrome; Hereditary neoplastic syndrome. Identifiers: Orphanet 140162, MedGen C0027672, MeSH D009386, MONDO:0015356.

Allele frequency attached by ClinVar (database versions not stated): 1000 Genomes Project 30x 0.00156; TOPMed 0.00196; 1000 Genomes Project 0.00200; gnomAD 0.00466 and 0.00487; gnomAD exomes 0.00540.
gnomAD v4.1: 2,389 of 467,238 alleles (0.51%); highest among the groups gnomAD compares: Non-Finnish European, 0.45%; 26 homozygotes.

Submissions (5):

CeGaT Center for Human Genetics Tuebingen
Classification: Benign. Last evaluated: 2026-09-01. Review status: criteria provided, single submitter. Criteria: CeGaT Center For Human Genetics Tuebingen Variant Classification Criteria Version 2. Collection method: clinical testing. Allele origin: germline. Affected: yes. Observed: 62 variant alleles.
Comment: APC: BS1, BS2

Labcorp Genetics (formerly Invitae), Labcorp
Classification: Benign for Familial adenomatous polyposis 1. Last evaluated: 2026-01-05. Review status: criteria provided, single submitter. Criteria: Invitae Variant Classification Sherloc (09022015). Collection method: clinical testing. Allele origin: germline.

Sema4
Classification: Benign for Hereditary cancer-predisposing syndrome. Last evaluated: 2020-07-08. Review status: criteria provided, single submitter. Criteria: Sema4 Curation Guidelines. Collection method: curation. Allele origin: germline.

Illumina Laboratory Services, Illumina
Classification: Benign for APC-Associated Polyposis Disorders. Last evaluated: 2018-03-06. Review status: criteria provided, single submitter. Criteria: ICSL Variant Classification Criteria 13 December 2019. Collection method: clinical testing. Allele origin: germline.
Comment: This variant was observed in the ICSL laboratory as part of a predisposition screen in an ostensibly healthy population. It had not been previously curated by ICSL or reported in the Human Gene Mutation Database (HGMD: prior to June 1st, 2018), and was therefore a candidate for classification through an automated scoring system. Utilizing variant allele frequency, disease prevalence and penetrance estimates, and inheritance mode, an automated score was calculated to assess if this variant is too frequent to cause the disease. Based on the score and internal cut-off values, a variant classified as benign is not then subjected to further curation. The score for this variant resulted in a classification of benign for this disease.

Counsyl
Classification: Benign for Familial adenomatous polyposis 1. Last evaluated: 2018-02-06. Review status: no assertion criteria provided. Collection method: clinical testing. Allele origin: unknown. Not counted in ClinVar's aggregate classification.

Literature cited by the submitters: PubMed 11606402 (cited by Counsyl).

NM_000038.6(APC):c.*248A>G

Gene: APC (APC regulator of Wnt signaling pathway; plus strand). Cytogenetic location: 5q22.2.
Variant type: single nucleotide variant.
Coding change: c.*248A>G on transcript NM_000038.6 (MANE Select); 248 bases downstream of the stop codon, A replaced by G.
Molecular consequence: 3 prime UTR variant.
Genome position (GRCh38, 1-based): chr5:112,844,374, A>G. VCF-style: chr5-112844374-A-G. GRCh37 (hg19) VCF-style: chr5-112180071-A-G.
Other names: c.*248A>G (NM_001127510.3, NM_001127511.3, NM_001354895.2 and 11 more transcripts).
Identifiers: ClinVar variation 220856 (VCV000220856.41), dbSNP rs186777258, ClinGen allele CA349987.